The following is an entry in ClinVar:

NM_001160372.4(TRAPPC9):c.1895C>T (p.Ala632Val)

Gene: TRAPPC9 (trafficking protein particle complex subunit 9; minus strand). Cytogenetic location: 8q24.3.
Variant type: single nucleotide variant.
Coding change: c.1895C>T on transcript NM_001160372.4 (MANE Select); coding-DNA position 1895, C replaced by T.
Protein change: p.Ala632Val; replaces alanine 632 with valine.
Molecular consequence: missense variant. On other transcripts: non-coding transcript variant (1).
Genome position (GRCh38, 1-based): chr8:140,287,694, G>A on the plus strand (C>T on the coding strand, the complement: TRAPPC9 is on the minus strand). VCF-style: chr8-140287694-G-A. GRCh37 (hg19) VCF-style: chr8-141297793-G-A.
Other names: c.1868C>T, p.Ala623Val (NM_001321646.2); c.1916C>T, p.Ala639Val (NM_001374682.1); c.1895C>T, p.Ala632Val (NM_001374683.1, NM_031466.8); c.1751C>T, p.Ala584Val (NM_001374684.1); c.2189C>T (NM_031466.5); short protein forms A623V, A632V, A639V, A584V.
Identifiers: ClinVar variation 2156707 (VCV002156707.2), dbSNP rs780799731, ClinGen allele CA4893277.

ClinVar aggregate classification (germline): Uncertain significance. Review status: criteria provided, multiple submitters, no conflicts (2 of 4 stars). 2 submissions from 2 submitters: Uncertain significance (2). Last evaluated 2025-06-25.

Conditions:
Inborn genetic diseases. Identifiers: MedGen C0950123, MeSH D030342.

Allele frequency attached by ClinVar (database versions not stated): ExAC 0.00001; gnomAD 0.00001; TOPMed 0.00002.
gnomAD v4.1: 13 of 1,614,042 alleles (0.00081%); highest among the groups gnomAD compares: African/African-American, 0.0067%; no homozygotes.

Submissions (2):

Ambry Genetics
Classification: Uncertain significance for Inborn genetic diseases. Last evaluated: 2025-06-25. Review status: criteria provided, single submitter. Criteria: Ambry Variant Classification Scheme 2023. Collection method: clinical testing. Allele origin: germline.

Labcorp Genetics (formerly Invitae), Labcorp
Classification: Uncertain significance. Last evaluated: 2022-08-19. Review status: criteria provided, single submitter. Criteria: Invitae Variant Classification Sherloc (09022015). Collection method: clinical testing. Allele origin: germline.
Comment: This sequence change replaces alanine, which is neutral and non-polar, with valine, which is neutral and non-polar, at codon 730 of the TRAPPC9 protein (p.Ala730Val). This variant is present in population databases (rs780799731, gnomAD 0.004%). This variant has not been reported in the literature in individuals affected with TRAPPC9-related conditions. Algorithms developed to predict the effect of missense changes on protein structure and function are either unavailable or do not agree on the potential impact of this missense change (SIFT: "Not Available"; PolyPhen-2: "Probably Damaging"; Align-GVGD: "Not Available"). In summary, the available evidence is currently insufficient to determine the role of this variant in disease. Therefore, it has been classified as a Variant of Uncertain Significance.